The following is an entry in ClinVar:

NM_138395.4(MARS2):c.740A>G (p.Asp247Gly)

Gene: MARS2 (methionyl-tRNA synthetase 2, mitochondrial; plus strand). Cytogenetic location: 2q33.1.
Variant type: single nucleotide variant.
Coding change: c.740A>G on transcript NM_138395.4 (MANE Select); coding-DNA position 740, A replaced by G.
Protein change: p.Asp247Gly; replaces aspartic acid 247 with glycine.
Molecular consequence: missense variant.
Genome position (GRCh38, 1-based): chr2:197,706,145, A>G. VCF-style: chr2-197706145-A-G. GRCh37 (hg19) VCF-style: chr2-198570869-A-G.
Other names: short protein forms D247G.
Identifiers: ClinVar variation 1318165 (VCV001318165.2), dbSNP rs777249080, ClinGen allele CA2044629.
Genomic context (GRCh38, chr2:197,706,145, plus strand): 5'-GGGGCAACCCTCAGGCGATCACCCCCGAACCATTTCATCACGTAGTTCTTCAGTGGCTGG[A>G]CGAGGAGCTGCCCGACCTGTCCGTGTCTCGCAGAAGTAGCCACTTGCACTGGGGCATTCC-3'
Protein context (NP_612404.1, residues 237-257): PFHHVVLQWL[Asp247Gly]EELPDLSVSR

ClinVar aggregate classification (germline): Uncertain significance (1 of 4 stars; one submission).

Allele frequency attached by ClinVar (database versions not stated): gnomAD exomes below 0.00001; gnomAD 0.00001; TOPMed 0.00001; ExAC 0.00002.
gnomAD v4.1: 2 of 1,613,904 alleles (0.00012%); highest among the groups gnomAD compares: African/African-American, 0.0027%; no homozygotes.

Submission:

GeneDx
Classification: Uncertain significance. Last evaluated: 2020-05-06. Review status: criteria provided, single submitter. Criteria: GeneDx Variant Classification Process June 2021. Collection method: clinical testing. Allele origin: germline. Affected: yes.
Comment: Not observed in large population cohorts (Lek et al., 2016); In silico analysis supports that this missense variant does not alter protein structure/function; Has not been previously published as pathogenic or benign to our knowledge